The following is an entry in ClinVar:

NM_003803.4(MYOM1):c.4067A>T (p.Gln1356Leu)

Gene: MYOM1 (myomesin 1; minus strand). Cytogenetic location: 18p11.31.
Variant type: single nucleotide variant.
Coding change: c.4067A>T on transcript NM_003803.4 (MANE Select); coding-DNA position 4067, A replaced by T.
Protein change: p.Gln1356Leu; replaces glutamine 1356 with leucine.
Molecular consequence: missense variant.
Genome position (GRCh38, 1-based): chr18:3,089,539, T>A on the plus strand (A>T on the coding strand, the complement: MYOM1 is on the minus strand). VCF-style: chr18-3089539-T-A. GRCh37 (hg19) VCF-style: chr18-3089537-T-A.
Other names: c.3779A>T, p.Gln1260Leu (NM_019856.2); short protein forms Q1356L, Q1260L.
Identifiers: ClinVar variation 3683098 (VCV003683098.3).

ClinVar aggregate classification (germline): Uncertain significance. Review status: criteria provided, multiple submitters, no conflicts (2 of 4 stars). 2 submissions from 2 submitters: Uncertain significance (2). Last evaluated 2026-08-06.

Conditions:
Hypertrophic cardiomyopathy. Also called: HYPERTROPHIC MYOCARDIOPATHY. Identifiers: Orphanet 217569, MedGen C0007194, MeSH D002312, MONDO:0005045, HP:0001639.

gnomAD v4.1: 1 of 1,606,764 alleles (0.000062%); highest among the groups gnomAD compares: African/African-American, 0.0013%; no homozygotes.

Submissions (2):

OLLIN Analises Genomicas, OLLIN
Classification: Uncertain significance. Last evaluated: 2026-08-06. Review status: criteria provided, single submitter. Criteria: ACMG Guidelines 2015 PMID 25741868. Collection method: clinical testing. Allele origin: germline.
Comment: This missense variant, located in exon 28 (of 38), has been reported in ClinVar (accession VCV003683098.2) and in gnomAD with an allele frequency of 0.000062%. However, to our knowledge, it has not been reported in the scientific literature. In silico analysis predicts that this variant has a deleterious effect. According to the currently available evidence, this variant has been classified as uncertain significance (PM2_P, PP3).

Labcorp Genetics (formerly Invitae), Labcorp
Classification: Uncertain significance for Hypertrophic cardiomyopathy. Last evaluated: 2024-07-16. Review status: criteria provided, single submitter. Criteria: Invitae Variant Classification Sherloc (09022015). Collection method: clinical testing. Allele origin: germline.
Comment: This sequence change replaces glutamine, which is neutral and polar, with leucine, which is neutral and non-polar, at codon 1356 of the MYOM1 protein (p.Gln1356Leu). This variant is not present in population databases (gnomAD no frequency). This variant has not been reported in the literature in individuals affected with MYOM1-related conditions. An algorithm developed to predict the effect of missense changes on protein structure and function (PolyPhen-2) suggests that this variant is likely to be disruptive. In summary, the available evidence is currently insufficient to determine the role of this variant in disease. Therefore, it has been classified as a Variant of Uncertain Significance.